The following is an entry in ClinVar:

NM_001378964.1(CDON):c.1102A>G (p.Ser368Gly)

Gene: CDON (cell adhesion associated, oncogene regulated; minus strand). Cytogenetic location: 11q24.2.
Variant type: single nucleotide variant.
Coding change: c.1102A>G on transcript NM_001378964.1 (MANE Select); coding-DNA position 1102, A replaced by G.
Protein change: p.Ser368Gly; replaces serine 368 with glycine.
Molecular consequence: missense variant.
Genome position (GRCh38, 1-based): chr11:126,015,337, T>C on the plus strand (A>G on the coding strand, the complement: CDON is on the minus strand). VCF-style: chr11-126015337-T-C. GRCh37 (hg19) VCF-style: chr11-125885232-T-C.
Other names: c.1102A>G, p.Ser368Gly (NM_001243597.3, NM_016952.6); short protein forms S368G.
Identifiers: ClinVar variation 838249 (VCV000838249.11), dbSNP rs373285253, ClinGen allele CA6352163.

ClinVar aggregate classification (germline): Uncertain significance. Review status: criteria provided, multiple submitters, no conflicts (2 of 4 stars). 2 submissions from 2 submitters: Uncertain significance (2). Last evaluated 2026-02-24.

Conditions:
Inborn genetic diseases. Identifiers: MedGen C0950123, MeSH D030342.
Holoprosencephaly 11 (HPE11). Identifiers: Orphanet 2162, MedGen C3280215, MONDO:0013642, OMIM 614226.

Allele frequency attached by ClinVar (database versions not stated): TOPMed 0.00002; ESP Exome Variant Server 0.00008; gnomAD 0.00001; ExAC 0.00002; gnomAD exomes 0.00002.
gnomAD v4.1: 27 of 1,613,994 alleles (0.0017%); highest among the groups gnomAD compares: East Asian, 0.0022%; no homozygotes.

Submissions (2):

Ambry Genetics
Classification: Uncertain significance for Inborn genetic diseases. Last evaluated: 2026-02-24. Review status: criteria provided, single submitter. Criteria: Ambry Variant Classification Scheme 2023. Collection method: clinical testing. Allele origin: germline.
Comment: The c.1102A>G (p.S368G) alteration is located in exon 7 (coding exon 6) of the CDON gene. This alteration results from a A to G substitution at nucleotide position 1102, causing the serine (S) at amino acid position 368 to be replaced by a glycine (G). Based on data from gnomAD, the G allele has an overall frequency of 0.003% (7/282600) total alleles studied. The highest observed frequency was 0.005% (7/128966) of European (non-Finnish) alleles. Based on insufficient or conflicting evidence, the clinical significance of this alteration remains unclear.

Labcorp Genetics (formerly Invitae), Labcorp
Classification: Uncertain significance for Holoprosencephaly 11. Last evaluated: 2024-06-12. Review status: criteria provided, single submitter. Criteria: Invitae Variant Classification Sherloc (09022015). Collection method: clinical testing. Allele origin: germline.
Comment: This sequence change replaces serine, which is neutral and polar, with glycine, which is neutral and non-polar, at codon 368 of the CDON protein (p.Ser368Gly). This variant is present in population databases (rs373285253, gnomAD 0.005%). This variant has not been reported in the literature in individuals affected with CDON-related conditions. ClinVar contains an entry for this variant (Variation ID: 838249). Advanced modeling of protein sequence and biophysical properties (such as structural, functional, and spatial information, amino acid conservation, physicochemical variation, residue mobility, and thermodynamic stability) performed at Invitae indicates that this missense variant is not expected to disrupt CDON protein function with a negative predictive value of 80%. Algorithms developed to predict the effect of sequence changes on RNA splicing suggest that this variant may create or strengthen a splice site. In summary, the available evidence is currently insufficient to determine the role of this variant in disease. Therefore, it has been classified as a Variant of Uncertain Significance.